The following is an entry in ClinVar:

ClinVar aggregate classification (germline): Pathogenic (1 of 4 stars; one submission).

Conditions:
Combined malonic and methylmalonic acidemia. Identifiers: Orphanet 289504, MedGen C3280314, MONDO:0013661, OMIM 614265.

Submission:

Labcorp Genetics (formerly Invitae), Labcorp
Classification: Pathogenic for Combined malonic and methylmalonic acidemia. Last evaluated: 2020-12-19. Review status: criteria provided, single submitter. Criteria: Invitae Variant Classification Sherloc (09022015). Collection method: clinical testing. Allele origin: germline.
Comment: For these reasons, this variant has been classified as Pathogenic. This variant disrupts the C-terminus of the ACSF3 protein. Other variant(s) that disrupt this region (p.Glu549*) have been determined to be pathogenic (Invitae). This suggests that variants that disrupt this region of the protein are likely to be causative of disease. Algorithms developed to predict the effect of sequence changes on RNA splicing suggest that this variant may create or strengthen a splice site, but this prediction has not been confirmed by published transcriptional studies. This variant has not been reported in the literature in individuals with ACSF3-related conditions. This variant is not present in population databases (ExAC no frequency). This sequence change creates a premature translational stop signal (p.Ser548*) in the ACSF3 gene. While this is not anticipated to result in nonsense mediated decay, it is expected to disrupt the last 29 amino acid(s) of the ACSF3 protein.

NM_001243279.3(ACSF3):c.1643C>A (p.Ser548Ter)

Gene: ACSF3 (acyl-CoA synthetase family member 3; plus strand). Cytogenetic location: 16q24.3.
Variant type: single nucleotide variant.
Coding change: c.1643C>A on transcript NM_001243279.3 (MANE Select); coding-DNA position 1643, C replaced by A.
Protein change: p.Ser548Ter; replaces serine 548 with a stop codon.
Molecular consequence: nonsense. On other transcripts: non-coding transcript variant (4).
Genome position (GRCh38, 1-based): chr16:89,154,119, C>A. VCF-style: chr16-89154119-C-A. GRCh37 (hg19) VCF-style: chr16-89220527-C-A.
Other names: c.1643C>A, p.Ser548Ter (NM_001127214.4, NM_174917.5); c.848C>A, p.Ser283Ter (NM_001284316.2); short protein forms S548*, S283*.
Identifiers: ClinVar variation 1396014 (VCV001396014.8), dbSNP rs139520739, ClinGen allele CA397150471.